The following is an entry in ClinVar:

ClinVar aggregate classification (germline): Uncertain significance. Review status: criteria provided, multiple submitters, no conflicts (2 of 4 stars). 3 submissions from 3 submitters: Uncertain significance (3). Last evaluated 2025-11-23.

Conditions:
Multiple endocrine neoplasia, type 2 (MEN2). Identifiers: Orphanet 653, MedGen C4048306, MONDO:0019003. Disease mechanism: gain of function.
Hereditary cancer-predisposing syndrome. Also called: Tumor predisposition; Hereditary Cancer Syndrome; Neoplastic Syndromes, Hereditary; Hereditary neoplastic syndrome. Identifiers: Orphanet 140162, MedGen C0027672, MeSH D009386, MONDO:0015356.

gnomAD v4.1: 1 of 1,613,580 alleles (0.000062%); highest among the groups gnomAD compares: East Asian, 0.0022%; no homozygotes.

Submissions (3):

Labcorp Genetics (formerly Invitae), Labcorp
Classification: Uncertain significance for Multiple endocrine neoplasia, type 2. Last evaluated: 2025-11-23. Review status: criteria provided, single submitter. Criteria: Invitae Variant Classification Sherloc (09022015). Collection method: clinical testing. Allele origin: germline.
Comment: This sequence change replaces valine, which is neutral and non-polar, with methionine, which is neutral and non-polar, at codon 311 of the RET protein (p.Val311Met). This variant is not present in population databases (gnomAD no frequency). This variant has not been reported in the literature in individuals affected with RET-related conditions. ClinVar contains an entry for this variant (Variation ID: 823168). An algorithm developed to predict the effect of missense changes on protein structure and function (PolyPhen-2) suggests that this variant is likely to be tolerated. In summary, the available evidence is currently insufficient to determine the role of this variant in disease. Therefore, it has been classified as a Variant of Uncertain Significance.

All of Us Research Program, National Institutes of Health
Classification: Uncertain significance for Multiple endocrine neoplasia, type 2. Last evaluated: 2023-12-18. Review status: criteria provided, single submitter. Criteria: ACMG Guidelines, 2015. Collection method: clinical testing. Allele origin: germline. Inheritance: Autosomal dominant inheritance. Observed: 1 variant allele, 1 heterozygote.
Comment: This missense variant replaces valine with methionine at codon 311 of the RET protein. Computational prediction suggests that this variant may not impact protein structure and function (internally defined REVEL score threshold <= 0.5, PMID: 27666373). To our knowledge, functional studies have not been reported for this variant. This variant has not been reported in individuals affected with RET-related disorders in the literature. This variant has not been identified in the general population by the Genome Aggregation Database (gnomAD). The available evidence is insufficient to determine the role of this variant in disease conclusively. Therefore, this variant is classified as a Variant of Uncertain Significance.

This study involves interpretation of variants in research participants for the purpose of population health screening. Participant phenotype was not available at the time of variant classification. Additional details can be found in publication PMID: 35346344, PMCID: PMC8962531

Ambry Genetics
Classification: Uncertain significance for Hereditary cancer-predisposing syndrome. Last evaluated: 2018-11-19. Review status: criteria provided, single submitter. Criteria: Ambry Variant Classification Scheme 2023. Collection method: clinical testing. Allele origin: germline.
Comment: The p.V311M variant (also known as c.931G>A), located in coding exon 5 of the RET gene, results from a G to A substitution at nucleotide position 931. The valine at codon 311 is replaced by methionine, an amino acid with highly similar properties. This amino acid position is poorly conserved in available vertebrate species. In addition, this alteration is predicted to be tolerated by in silico analysis. Since supporting evidence is limited at this time, the clinical significance of this alteration remains unclear.

NM_020975.6(RET):c.931G>A (p.Val311Met)

Gene: RET (ret proto-oncogene; plus strand). Cytogenetic location: 10q11.21.
Variant type: single nucleotide variant.
Coding change: c.931G>A on transcript NM_020975.6 (MANE Select); coding-DNA position 931, G replaced by A.
Protein change: p.Val311Met; replaces valine 311 with methionine.
Molecular consequence: missense variant.
Genome position (GRCh38, 1-based): chr10:43,106,439, G>A. VCF-style: chr10-43106439-G-A. GRCh37 (hg19) VCF-style: chr10-43601887-G-A.
Other names: c.931G>A, p.Val311Met (NM_000323.2, NM_001406743.1, NM_001406744.1 and 6 more transcripts); c.169G>A, p.Val57Met (NM_001355216.2); c.802G>A, p.Val268Met (NM_001406761.1, NM_001406762.1, NM_001406764.1 and 1 more transcripts); c.643G>A, p.Val215Met (NM_001406766.1, NM_001406767.1, NM_001406770.1); short protein forms V311M, V57M, V215M, V268M.
Identifiers: ClinVar variation 823168 (VCV000823168.12), dbSNP rs1311500725, ClinGen allele CA376545961.